The following is an entry in ClinVar:

NM_001267550.2(TTN):c.204C>T (p.Pro68=)

Gene: TTN (titin; minus strand). Cytogenetic location: 2q31.2.
Variant type: single nucleotide variant.
Coding change: c.204C>T on transcript NM_001267550.2 (MANE Select); coding-DNA position 204, C replaced by T.
Protein change: p.Pro68=; no amino-acid change (proline 68 retained).
Molecular consequence: synonymous variant.
Genome position (GRCh38, 1-based): chr2:178,802,229, G>A on the plus strand (C>T on the coding strand, the complement: TTN is on the minus strand). VCF-style: chr2-178802229-G-A. GRCh37 (hg19) VCF-style: chr2-179666956-G-A.
Other names: c.204C>T, p.Pro68= (NM_133378.4, NM_001256850.1, NM_003319.4 and 3 more transcripts).
Identifiers: ClinVar variation 263700 (VCV000263700.71), dbSNP rs201089861, ClinGen allele CA2006393.

ClinVar aggregate classification (germline): Conflicting classifications of pathogenicity. Review status: criteria provided, conflicting classifications (1 of 4 stars). 12 submissions from 12 submitters: Uncertain significance (3); Likely benign (8). 1 of the submissions does not count toward it. Last evaluated 2025-12-08.

Conditions:
TTN-related disorder. Also called: TTN-related disorders; TTN-related condition; TTN-related disease.
Cardiovascular phenotype. Identifiers: MedGen CN230736.
Autosomal recessive limb-girdle muscular dystrophy type 2J (LGMDR10). Also called: Limb-girdle muscular dystrophy, type 2J; MUSCULAR DYSTROPHY, LIMB-GIRDLE, AUTOSOMAL RECESSIVE 10. Identifiers: Orphanet 140922, MedGen C1837342, MONDO:0012127, OMIM 608807.
Dilated cardiomyopathy 1G (CMD1G). Identifiers: Orphanet 154, MedGen C1858763, MONDO:0011400, OMIM 604145.
Cardiomyopathy (CMYO). Also called: Cardiomyopathies. Identifiers: Orphanet 167848, MedGen C0878544, MONDO:0004994, HP:0001638. Inheritance: Various modes of inheritance.

Allele frequency attached by ClinVar (database versions not stated): gnomAD exomes 0.00004 and 0.00006; gnomAD 0.00005 and 0.00012; ExAC 0.00006; TOPMed 0.00014; 1000 Genomes Project 30x 0.00016; 1000 Genomes Project 0.00020.
gnomAD v4.1: 76 of 1,614,134 alleles (0.0047%); highest among the groups gnomAD compares: Middle Eastern, 0.2%; no homozygotes.

Submissions (12):

Labcorp Genetics (formerly Invitae), Labcorp
Classification: Likely benign for Dilated cardiomyopathy 1G; Autosomal recessive limb-girdle muscular dystrophy type 2J. Last evaluated: 2025-12-08. Review status: criteria provided, single submitter. Criteria: Invitae Variant Classification Sherloc (09022015). Collection method: clinical testing. Allele origin: germline.

Molecular Diagnostic Laboratory for Inherited Cardiovascular Disease, Montreal Heart Institute
Classification: Likely benign. Last evaluated: 2025-04-09. Review status: criteria provided, single submitter. Criteria: ACMG Guidelines, 2015. Collection method: clinical testing. Allele origin: germline. Affected: no.

Blueprint Genetics
Classification: Likely benign. Last evaluated: 2024-08-15. Review status: criteria provided, single submitter. Criteria: ACMG Guidelines, 2015. Collection method: clinical testing. Allele origin: germline.

CeGaT Center for Human Genetics Tuebingen
Classification: Likely benign. Last evaluated: 2024-04-01. Review status: criteria provided, single submitter. Criteria: CeGaT Center For Human Genetics Tuebingen Variant Classification Criteria Version 2. Collection method: clinical testing. Allele origin: germline. Affected: yes. Observed: 5 variant alleles.
Comment: TTN: BP4, BP7

CHEO Genetics Diagnostic Laboratory, Children's Hospital of Eastern Ontario
Classification: Likely benign for Cardiomyopathy. Last evaluated: 2023-03-20. Review status: criteria provided, single submitter. Criteria: ACMG Guidelines, 2015. Collection method: clinical testing. Allele origin: germline.

GeneDx
Classification: Likely benign. Last evaluated: 2020-07-08. Review status: criteria provided, single submitter. Criteria: GeneDx Variant Classification Process June 2021. Collection method: clinical testing. Allele origin: germline. Affected: yes.

Revvity Omics, Revvity
Classification: Uncertain significance. Last evaluated: 2019-08-14. Review status: criteria provided, single submitter. Criteria: ACMG Guidelines, 2015. Collection method: clinical testing. Allele origin: germline.

Eurofins Ntd Llc (ga)
Classification: Uncertain significance. Last evaluated: 2018-03-09. Review status: criteria provided, single submitter. Criteria: EGL ClinVar v180209 classification definitions. Collection method: clinical testing. Allele origin: germline. Observed: 1 variant allele, 1 heterozygote.

Laboratory for Molecular Medicine, Mass General Brigham Personalized Medicine
Classification: Likely benign. Last evaluated: 2016-10-25. Review status: criteria provided, single submitter. Criteria: LMM Criteria. Collection method: clinical testing. Allele origin: germline. Observed: 1 variant allele.
Comment: p.Pro68Pro in exon 3 of TTN: This variant is not expected to have clinical signi ficance because it does not alter an amino acid residue and is not located withi n the splice consensus sequence. It has been identified in 6/66698 of European c hromosomes by the Exome Aggregation Consortium (ExAC .org; dbSNP rs201089861).

Genetic Services Laboratory, University of Chicago
Classification: Uncertain significance. Last evaluated: 2016-09-23. Review status: criteria provided, single submitter. Criteria: ACMG Guidelines, 2015. Collection method: clinical testing. Allele origin: germline. Affected: no.

Ambry Genetics
Classification: Likely benign for Cardiovascular phenotype. Last evaluated: 2013-10-03. Review status: criteria provided, single submitter. Criteria: Ambry Autosomal Dominant and X-Linked criteria (10/2015). Collection method: clinical testing. Allele origin: germline. Observed: 1 variant allele.

PreventionGenetics, part of Exact Sciences
Classification: Likely benign for TTN-related condition. Last evaluated: 2019-10-21. Review status: no assertion criteria provided. Collection method: clinical testing. Allele origin: germline. Not counted in ClinVar's aggregate classification.
Comment: This variant is classified as likely benign based on ACMG/AMP sequence variant interpretation guidelines (Richards et al. 2015 PMID: 25741868, with internal and published modifications).